The following is an entry in ClinVar:

NM_001042492.3(NF1):c.6921+2del

Gene: NF1 (neurofibromin 1; plus strand). Cytogenetic location: 17q11.2.
Variant type: Deletion.
Coding change: c.6921+2del on transcript NM_001042492.3 (MANE Select); the canonical splice donor site of the intron after coding-DNA position 6921, one base deleted (T; older notation c.6921+2delT).
Molecular consequence: splice donor variant.
Genome position (GRCh38, 1-based): chr17:31,338,807, T deleted. VCF-style (leftmost placement, unchanged base first): chr17-31338806-GT-G. GRCh37 (hg19) VCF-style: chr17-29665824-GT-G.
Other names: c.6858+2delT (NM_000267.3); c.6858+2del (NM_000267.4).
Identifiers: ClinVar variation 3237903 (VCV003237903.1), dbSNP rs2508763320.

ClinVar aggregate classification (germline): Pathogenic (1 of 4 stars; one submission).

Conditions:
Hereditary cancer-predisposing syndrome. Also called: Neoplastic Syndromes, Hereditary; Tumor predisposition; Hereditary neoplastic syndrome; Hereditary Cancer Syndrome. Identifiers: Orphanet 140162, MedGen C0027672, MeSH D009386, MONDO:0015356.
Cardiovascular phenotype. Identifiers: MedGen CN230736.

Submission:

Ambry Genetics
Classification: Pathogenic for Cardiovascular phenotype; Hereditary cancer-predisposing syndrome. Last evaluated: 2023-09-18. Review status: criteria provided, single submitter. Criteria: Ambry Variant Classification Scheme 2023. Collection method: clinical testing. Allele origin: germline.
Comment: The c.6858+2delT intronic variant, located in intron 45 of the NF1 gene, results from a deletion of one nucleotide within intron 45 of the NF1 gene. Alterations that disrupt the canonical splice site are expected to result in aberrant splicing. In silico splice site analysis predicts that this alteration will weaken the native splice donor site; however, direct evidence is insufficient at this time (Ambry internal data). The resulting transcript is predicted to be in-frame; however, the exact functional impact of the deleted amino acids is unknown at this time(Wimmer K et al. Hum Mutat, 2007 Jun;28:599-612). The variant has been detected in at least one individual with a clinical or suspected diagnosis of neurofibromatosis type 1 (Ambry internal data). Based on the supporting evidence, this alteration is interpreted as a disease-causing mutation.